The following is an entry in ClinVar:

NM_024928.5(STN1):c.340AAG[1] (p.Lys115del)

Gene: STN1 (STN1 subunit of CST complex; minus strand). Cytogenetic location: 10q24.33.
Variant type: Microsatellite.
Coding change: c.340AAG[1] on transcript NM_024928.5 (MANE Select); one copy of the 3-base unit AAG starting at c.340; the reference has two copies in a row; one copy, 3 bases deleted.
Protein change: p.Lys115del; deletes lysine 115.
Molecular consequence: inframe deletion.
Genome position (GRCh38, 1-based): chr10:103,900,174-103,900,176, CTT deleted on the plus strand (AAG on the coding strand, the reverse complement: STN1 is on the minus strand); deleting any 3 consecutive bases within chr10:103,900,174-103,900,179 gives the same sequence; the position shown is the placement nearest the transcript's 3' end. VCF-style (leftmost placement, unchanged base first): chr10-103900173-GCTT-G. GRCh37 (hg19) VCF-style: chr10-105659931-GCTT-G.
Other names: short protein forms K115del.
Identifiers: ClinVar variation 1942786 (VCV001942786.4), dbSNP rs765340228, ClinGen allele CA5676642.

ClinVar aggregate classification (germline): Uncertain significance (1 of 4 stars; one submission).

Submission:

Labcorp Genetics (formerly Invitae), Labcorp
Classification: Uncertain significance. Last evaluated: 2023-08-10. Review status: criteria provided, single submitter. Criteria: Invitae Variant Classification Sherloc (09022015). Collection method: clinical testing. Allele origin: germline.
Comment: This variant, c.343_345del, results in the deletion of 1 amino acid(s) of the STN1 protein (p.Lys115del), but otherwise preserves the integrity of the reading frame. In summary, the available evidence is currently insufficient to determine the role of this variant in disease. Therefore, it has been classified as a Variant of Uncertain Significance. Experimental studies and prediction algorithms are not available or were not evaluated, and the functional significance of this variant is currently unknown. This variant has not been reported in the literature in individuals affected with STN1-related conditions. This variant is present in population databases (rs765340228, gnomAD 0.009%).